The following is an entry in ClinVar:

ClinVar aggregate classification (germline): Pathogenic (1 of 4 stars; one submission).

Conditions:
Combined oxidative phosphorylation defect type 14. Also called: Combined oxidative phosphorylation deficiency 14. Identifiers: Orphanet 319519, MedGen C4755312, MONDO:0013986, OMIM 614946.

Submission:

Labcorp Genetics (formerly Invitae), Labcorp
Classification: Pathogenic for Combined oxidative phosphorylation defect type 14. Last evaluated: 2025-01-30. Review status: criteria provided, single submitter. Criteria: Invitae Variant Classification Sherloc (09022015). Collection method: clinical testing. Allele origin: germline.
Comment: This sequence change creates a premature translational stop signal (p.His22Thrfs*67) in the FARS2 gene. It is expected to result in an absent or disrupted protein product. Loss-of-function variants in FARS2 are known to be pathogenic (PMID: 22833457). This variant is not present in population databases (gnomAD no frequency). This variant has not been reported in the literature in individuals affected with FARS2-related conditions. For these reasons, this variant has been classified as Pathogenic.

Literature cited by the submitters: PubMed 22833457.

NM_006567.5(FARS2):c.63del (p.His22fs)

Genes: FARS2 (phenylalanyl-tRNA synthetase 2, mitochondrial; plus strand), LOC126859565 (CDK7 strongly-dependent group 2 enhancer GRCh37_chr6:5368745-5369944; plus strand). Cytogenetic location: 6p25.1.
Variant type: Deletion.
Coding change: c.63del on transcript NM_006567.5 (MANE Select); coding-DNA position 63, one base deleted (T; older notation c.63delT).
Protein change: p.His22fs; shifts the reading frame from histidine 22.
Molecular consequence: frameshift variant. On other transcripts: intron variant (2).
Genome position (GRCh38, 1-based): chr6:5,368,633, T deleted. VCF-style (leftmost placement, unchanged base first): chr6-5368632-GT-G. GRCh37 (hg19) VCF-style: chr6-5368865-GT-G.
Other names: c.63del, p.His22fs (NM_001374879.1, NM_001375257.1, NM_001318872.2 and 5 more transcripts); c.-340-28000del (NM_001375260.1); c.-84-35909del (NM_001375259.1); short protein forms H22fs.
Identifiers: ClinVar variation 3621670 (VCV003621670.2).